The following is an entry in ClinVar:

ClinVar aggregate classification (germline): Pathogenic (1 of 4 stars; one submission).

Conditions:
Niemann-Pick disease, type C1. Also called: NEUROVISCERAL STORAGE DISEASE WITH VERTICAL SUPRANUCLEAR OPHTHALMOPLEGIA; NIEMANN-PICK DISEASE WITH CHOLESTEROL ESTERIFICATION BLOCK; NIEMANN-PICK DISEASE WITHOUT SPHINGOMYELINASE DEFICIENCY; NIEMANN-PICK DISEASE, CHRONIC NEURONOPATHIC FORM; NIEMANN-PICK DISEASE, VARIANT TYPE C1. Identifiers: Orphanet 646, MedGen C3179455, MONDO:0009757, OMIM 257220.

Submission:

Myriad Genetics, Inc.
Classification: Pathogenic for Niemann-Pick disease, type C1. Last evaluated: 2024-10-19. Review status: criteria provided, single submitter. Criteria: Myriad Autosomal Dominant, Autosomal Recessive and X-Linked Classification Criteria (2023). Collection method: clinical testing. Allele origin: unknown.
Comment: NM_000271.4(NPC1):c.2665dupG(V889Gfs*29) is expected to be pathogenic in the context of Niemann-Pick disease type C1. This variant is predicted to lead to an abnormal or absent protein product due to the creation of a premature termination codon in NPC1, a gene where loss-of-function variants are known to be pathogenic. Please note: this variant was assessed in the context of healthy population screening.

NM_000271.5(NPC1):c.2665dup (p.Val889fs)

Gene: NPC1 (NPC intracellular cholesterol transporter 1; minus strand). Cytogenetic location: 18q11.2.
Variant type: Duplication.
Coding change: c.2665dup on transcript NM_000271.5 (MANE Select); coding-DNA position 2665, one base duplicated (G; older notation c.2665dupG).
Protein change: p.Val889fs; shifts the reading frame from valine 889.
Molecular consequence: frameshift variant.
Genome position (GRCh38, 1-based): chr18:23,539,941, C duplicated on the plus strand (G on the coding strand, the reverse complement: NPC1 is on the minus strand). VCF-style (leftmost placement, unchanged base first): chr18-23539940-A-AC. GRCh37 (hg19) VCF-style: chr18-21119904-A-AC.
Other names: short protein forms V889fs.
Identifiers: ClinVar variation 5013650 (VCV005013650.1).